The following is an entry in ClinVar:

NM_002941.4(ROBO1):c.1342+3A>T

Gene: ROBO1 (roundabout guidance receptor 1; minus strand). Cytogenetic location: 3p12.3.
Variant type: single nucleotide variant.
Coding change: c.1342+3A>T on transcript NM_002941.4 (MANE Select); 3 bases into the intron after coding-DNA position 1342, A replaced by T.
Molecular consequence: intron variant.
Genome position (GRCh38, 1-based): chr3:78,685,743, T>A on the plus strand (A>T on the coding strand, the complement: ROBO1 is on the minus strand). VCF-style: chr3-78685743-T-A. GRCh37 (hg19) VCF-style: chr3-78734893-T-A.
Other names: c.1234+3A>T (NM_001145845.2, NM_133631.4).
Identifiers: ClinVar variation 4985046 (VCV004985046.1).

ClinVar aggregate classification (germline): Uncertain significance (1 of 4 stars; one submission).

Conditions:
ROBO1-related disorder. Also called: ROBO1-related condition.

Submission:

PreventionGenetics, part of Exact Sciences
Classification: Uncertain significance for ROBO1-related condition. Last evaluated: 2025-12-28. Review status: criteria provided, single submitter. Criteria: ACMG Guidelines, 2015. Collection method: clinical testing. Allele origin: germline.
Comment: The ROBO1 c.1342+3A>T variant is predicted to interfere with splicing. To our knowledge, this variant has not been reported in the literature or in a large population database (gnomAD), indicating this variant is rare. This variant is predicted to alter splicing based on available splicing prediction programs (SpliceAI, Jaganathan et al. 2019. PubMed ID: 30661751). However, the use of computer prediction programs is not equivalent to functional evidence. At this time, the clinical significance of this variant is uncertain due to the absence of conclusive functional and genetic evidence.